The following is an entry in ClinVar:

ClinVar aggregate classification (germline): Conflicting classifications of pathogenicity. Review status: criteria provided, conflicting classifications (1 of 4 stars). 3 submissions from 3 submitters: Uncertain significance (1); Likely benign (1). 1 of the submissions does not count toward it. Last evaluated 2025-04-16.

Conditions:
RP1-related disorder. Also called: RP1-related condition.
Retinitis pigmentosa (RP). Identifiers: Orphanet 791, MedGen C0035334, MeSH D012174, MONDO:0019200, OMIM 268000. Inheritance: Autosomal dominant, autosomal recessive and X linked inheritance.

Allele frequency attached by ClinVar (database versions not stated): ExAC 0.00002; gnomAD 0.00003 and 0.00004; gnomAD exomes 0.00003 and 0.00012; TOPMed 0.00003.
gnomAD v4.1: 168 of 1,613,886 alleles (0.01%); highest among the groups gnomAD compares: Non-Finnish European, 0.014%; no homozygotes.

Submissions (3):

Labcorp Genetics (formerly Invitae), Labcorp
Classification: Likely benign. Last evaluated: 2025-04-16. Review status: criteria provided, single submitter. Criteria: Invitae Variant Classification Sherloc (09022015). Collection method: clinical testing. Allele origin: germline.

Illumina Laboratory Services, Illumina
Classification: Uncertain significance for Retinitis pigmentosa. Last evaluated: 2018-01-12. Review status: criteria provided, single submitter. Criteria: ICSL Variant Classification Criteria 13 December 2019. Collection method: clinical testing. Allele origin: germline.

PreventionGenetics, part of Exact Sciences
Classification: Likely benign for RP1-related condition. Last evaluated: 2020-08-25. Review status: no assertion criteria provided. Collection method: clinical testing. Allele origin: germline. Not counted in ClinVar's aggregate classification.
Comment: This variant is classified as likely benign based on ACMG/AMP sequence variant interpretation guidelines (Richards et al. 2015 PMID: 25741868, with internal and published modifications).

NM_006269.2(RP1):c.3198G>A (p.Glu1066=)

Gene: RP1 (RP1 axonemal microtubule associated; plus strand). Cytogenetic location: 8q12.1.
Variant type: single nucleotide variant.
Coding change: c.3198G>A on transcript NM_006269.2 (MANE Select); coding-DNA position 3198, G replaced by A.
Protein change: p.Glu1066=; no amino-acid change (glutamic acid 1066 retained).
Molecular consequence: synonymous variant.
Genome position (GRCh38, 1-based): chr8:54,627,080, G>A. VCF-style: chr8-54627080-G-A. GRCh37 (hg19) VCF-style: chr8-55539640-G-A.
Identifiers: ClinVar variation 363290 (VCV000363290.11), dbSNP rs759707480, ClinGen allele CA4751657.